The following is an entry in ClinVar:

ClinVar aggregate classification (germline): Uncertain significance (1 of 4 stars; one submission).

Conditions:
Hereditary cancer-predisposing syndrome. Also called: Neoplastic Syndromes, Hereditary; Tumor predisposition; Hereditary Cancer Syndrome; Hereditary neoplastic syndrome. Identifiers: Orphanet 140162, MedGen C0027672, MeSH D009386, MONDO:0015356.

Submission:

Ambry Genetics
Classification: Uncertain significance for Hereditary cancer-predisposing syndrome. Last evaluated: 2024-09-01. Review status: criteria provided, single submitter. Criteria: Ambry Variant Classification Scheme 2023. Collection method: clinical testing. Allele origin: germline.
Comment: The p.S145C variant (also known as c.434C>G), located in coding exon 3 of the PDGFRA gene, results from a C to G substitution at nucleotide position 434. The serine at codon 145 is replaced by cysteine, an amino acid with dissimilar properties. This amino acid position is conserved. In addition, this alteration is predicted to be tolerated by in silico analysis. Based on the available evidence, the clinical significance of this variant remains unclear.

NM_006206.6(PDGFRA):c.434C>G (p.Ser145Cys)

Gene: PDGFRA (platelet derived growth factor receptor alpha; plus strand). Cytogenetic location: 4q12.
Variant type: single nucleotide variant.
Coding change: c.434C>G on transcript NM_006206.6 (MANE Select); coding-DNA position 434, C replaced by G.
Protein change: p.Ser145Cys; replaces serine 145 with cysteine.
Molecular consequence: missense variant.
Genome position (GRCh38, 1-based): chr4:54,263,733, C>G. VCF-style: chr4-54263733-C-G. GRCh37 (hg19) VCF-style: chr4-55129900-C-G.
Other names: c.434C>G, p.Ser145Cys (NM_001347827.2, NM_001347829.2); c.509C>G, p.Ser170Cys (NM_001347828.2); c.473C>G, p.Ser158Cys (NM_001347830.2); short protein forms S145C, S170C, S158C.
Identifiers: ClinVar variation 3416418 (VCV003416418.1).